The following is an entry in ClinVar:

NM_024496.4(IRF2BPL):c.1560A>C (p.Ala520=)

Gene: IRF2BPL (interferon regulatory factor 2 binding protein like; minus strand). Cytogenetic location: 14q24.3.
Variant type: single nucleotide variant.
Coding change: c.1560A>C on transcript NM_024496.4 (MANE Select); coding-DNA position 1560, A replaced by C.
Protein change: p.Ala520=; no amino-acid change (alanine 520 retained).
Molecular consequence: synonymous variant.
Genome position (GRCh38, 1-based): chr14:77,026,233, T>G on the plus strand (A>C on the coding strand, the complement: IRF2BPL is on the minus strand). VCF-style: chr14-77026233-T-G. GRCh37 (hg19) VCF-style: chr14-77492576-T-G.
Identifiers: ClinVar variation 2644383 (VCV002644383.24), dbSNP rs2140377534, ClinGen allele CA487507231.

ClinVar aggregate classification (germline): Likely benign (1 of 4 stars; one submission).

Submission:

CeGaT Center for Human Genetics Tuebingen
Classification: Likely benign. Last evaluated: 2022-09-01. Review status: criteria provided, single submitter. Criteria: CeGaT Center For Human Genetics Tuebingen Variant Classification Criteria Version 2. Collection method: clinical testing. Allele origin: germline. Affected: yes. Observed: 1 variant allele.
Comment: IRF2BPL: PM2:Supporting, BP4, BP7